The following is an entry in ClinVar:

NM_000843.4(GRM6):c.1054C>A (p.Arg352Ser)

Genes: GRM6 (glutamate metabotropic receptor 6; minus strand), ZNF454 (zinc finger protein 454; plus strand). Cytogenetic location: 5q35.3.
Variant type: single nucleotide variant.
Coding change: c.1054C>A on transcript NM_000843.4 (MANE Select); coding-DNA position 1054, C replaced by A.
Protein change: p.Arg352Ser; replaces arginine 352 with serine.
Molecular consequence: missense variant.
Genome position (GRCh38, 1-based): chr5:178,989,364, G>T on the plus strand (C>A on the coding strand, the complement: GRM6 is on the minus strand). VCF-style: chr5-178989364-G-T. GRCh37 (hg19) VCF-style: chr5-178416365-G-T.
Other names: short protein forms R352S.
Identifiers: ClinVar variation 2065005 (VCV002065005.5), dbSNP rs754475848, ClinGen allele CA362430627.

ClinVar aggregate classification (germline): Uncertain significance. Review status: criteria provided, multiple submitters, no conflicts (2 of 4 stars). 2 submissions from 2 submitters: Uncertain significance (2). Last evaluated 2023-06-15.

gnomAD v4.1: 1 of 1,613,782 alleles (0.000062%); highest among the groups gnomAD compares: Non-Finnish European, 0.000085%; no homozygotes.

Submissions (2):

Labcorp Genetics (formerly Invitae), Labcorp
Classification: Uncertain significance. Last evaluated: 2023-06-15. Review status: criteria provided, single submitter. Criteria: Invitae Variant Classification Sherloc (09022015). Collection method: clinical testing. Allele origin: germline.
Comment: In summary, the available evidence is currently insufficient to determine the role of this variant in disease. Therefore, it has been classified as a Variant of Uncertain Significance. Advanced modeling of protein sequence and biophysical properties (such as structural, functional, and spatial information, amino acid conservation, physicochemical variation, residue mobility, and thermodynamic stability) performed at Invitae indicates that this missense variant is not expected to disrupt GRM6 protein function. ClinVar contains an entry for this variant (Variation ID: 2065005). This variant has not been reported in the literature in individuals affected with GRM6-related conditions. This variant is not present in population databases (gnomAD no frequency). This sequence change replaces arginine, which is basic and polar, with serine, which is neutral and polar, at codon 352 of the GRM6 protein (p.Arg352Ser).

Blueprint Genetics
Classification: Uncertain significance. Last evaluated: 2018-06-29. Review status: criteria provided, single submitter. Criteria: ACMG Guidelines, 2015. Collection method: clinical testing. Allele origin: germline.